The following is an entry in ClinVar:

ClinVar aggregate classification (germline): Uncertain significance. Review status: criteria provided, multiple submitters, no conflicts (2 of 4 stars). 3 submissions from 3 submitters: Uncertain significance (2). 1 of the submissions does not count toward it. Last evaluated 2025-06-04.

Conditions:
Inborn genetic diseases. Identifiers: MedGen C0950123, MeSH D030342.
CEP290-related disorder. Also called: CEP290-related condition; CEP290-related disorders. Identifiers: MedGen CN239314.
Joubert syndrome. Also called: CEREBELLOPARENCHYMAL DISORDER IV; JOUBERT-BOLTSHAUSER SYNDROME; Familial aplasia of the vermis. Identifiers: Orphanet 475, MedGen C5979921, MONDO:0018772.
Nephronophthisis. Also called: Juvenile Nephronophthisis. Identifiers: Orphanet 655, MedGen C0687120, MONDO:0019005, HP:0000090.
Meckel-Gruber syndrome. Also called: DYSENCEPHALIA SPLANCHNOCYSTICA; GRUBER SYNDROME; Dysencephalia splachnocystica. Identifiers: Orphanet 564, MedGen C0265215, MONDO:0018921.

Allele frequency attached by ClinVar (database versions not stated): TOPMed 0.00001; gnomAD exomes below 0.00001; ExAC 0.00001; gnomAD 0.00001.
gnomAD v4.1: 3 of 1,610,394 alleles (0.00019%); highest among the groups gnomAD compares: African/African-American, 0.004%; no homozygotes.

Submissions (3):

Ambry Genetics
Classification: Uncertain significance for Inborn genetic diseases. Last evaluated: 2025-06-04. Review status: criteria provided, single submitter. Criteria: Ambry Variant Classification Scheme 2023. Collection method: clinical testing. Allele origin: germline.

Labcorp Genetics (formerly Invitae), Labcorp
Classification: Uncertain significance for Joubert syndrome; Meckel-Gruber syndrome; Nephronophthisis. Last evaluated: 2022-01-22. Review status: criteria provided, single submitter. Criteria: Invitae Variant Classification Sherloc (09022015). Collection method: clinical testing. Allele origin: germline.
Comment: Algorithms developed to predict the effect of missense changes on protein structure and function (SIFT, PolyPhen-2, Align-GVGD) all suggest that this variant is likely to be tolerated. In summary, the available evidence is currently insufficient to determine the role of this variant in disease. Therefore, it has been classified as a Variant of Uncertain Significance. This variant has not been reported in the literature in individuals affected with CEP290-related conditions. This variant is present in population databases (rs767548455, gnomAD 0.008%). This sequence change replaces lysine, which is basic and polar, with glutamic acid, which is acidic and polar, at codon 1565 of the CEP290 protein (p.Lys1565Glu).

PreventionGenetics, part of Exact Sciences
Classification: Uncertain significance for CEP290-related condition. Last evaluated: 2024-08-28. Review status: no assertion criteria provided. Collection method: clinical testing. Allele origin: germline. Not counted in ClinVar's aggregate classification.
Comment: The CEP290 c.4693A>G variant is predicted to result in the amino acid substitution p.Lys1565Glu. To our knowledge, this variant has not been reported in the literature. This variant is reported in 0.0083% of alleles in individuals of African descent in gnomAD. At this time, the clinical significance of this variant is uncertain due to the absence of conclusive functional and genetic evidence.

NM_025114.4(CEP290):c.4693A>G (p.Lys1565Glu)

Gene: CEP290 (centrosomal protein 290; minus strand). Cytogenetic location: 12q21.32.
Variant type: single nucleotide variant.
Coding change: c.4693A>G on transcript NM_025114.4 (MANE Select); coding-DNA position 4693, A replaced by G.
Protein change: p.Lys1565Glu; replaces lysine 1565 with glutamic acid.
Molecular consequence: missense variant.
Genome position (GRCh38, 1-based): chr12:88,084,597, T>C on the plus strand (A>G on the coding strand, the complement: CEP290 is on the minus strand). VCF-style: chr12-88084597-T-C. GRCh37 (hg19) VCF-style: chr12-88478374-T-C.
Other names: c.4693A>G (NM_025114.3); short protein forms K1565E.
Identifiers: ClinVar variation 2143127 (VCV002143127.6), dbSNP rs767548455, ClinGen allele CA6711890.
Genomic context (GRCh38, chr12:88,084,597, plus strand): 5'-CTTAAAAAAACTAATGGATAACAGCATAACTCATAATATAATAAAATACCTCTCTGGCTT[T>C]TTCTAGAAGACGTTGATACTTCTTTAATACTTCTTCTTTTTGATTTAACCTTGCTTGCAT-3'
Protein context (NP_079390.3, residues 1555-1575): VLKKYQRLLE[Lys1565Glu]AREEQREIVK